The following is an entry in ClinVar:

ClinVar aggregate classification (germline): Conflicting classifications of pathogenicity. Review status: criteria provided, conflicting classifications (1 of 4 stars). 6 submissions from 6 submitters: Pathogenic (1); Likely pathogenic (1); Uncertain significance (2). 2 of the submissions do not count toward it. Last evaluated 2026-01-02.

Conditions:
BTD-related disorder. Also called: BTD-related condition.
Biotinidase deficiency. Also called: Biotin deficiency; BTD deficiency; Late-onset biotin-responsive multiple carboxylase deficiency. Identifiers: Orphanet 79241, MedGen C0220754, MONDO:0009665, OMIM 253260.

Allele frequency attached by ClinVar (database versions not stated): gnomAD exomes 0.00002; ExAC 0.00003.
gnomAD v4.1: 28 of 1,614,204 alleles (0.0017%); highest among the groups gnomAD compares: East Asian, 0.058%; no homozygotes.

Submissions (6):

PreventionGenetics, part of Exact Sciences
Classification: Pathogenic for BTD-related condition. Last evaluated: 2026-01-02. Review status: criteria provided, single submitter. Criteria: ACMG Guidelines, 2015. Collection method: clinical testing. Allele origin: germline.
Comment: The BTD c.1466A>C variant is predicted to result in the amino acid substitution p.Asn489Thr. This variant has been reported in the homozygous state in an individual with biotinidase deficiency (Pomponio et al. 1998. PubMed ID: 9705240). Substitution of the p.Asn489 amino acid is expected to disrupt an N-glycosylation site in the BTD enzyme (Pomponio et al. 1998. PubMed ID: 9705240; Pindolia et al. 2010. PubMed ID: 20556795), and a different substitution of the same amino acid (p.Asn489Ser) has been reported in the compound heterozygous state with a profound deficiency allele (c.[1330G.C;511G>A]) in an individual with partial biotinidase deficiency (Borsatto et al. 2017. PubMed ID: 28498829). This variant is reported in 0.016% of alleles in individuals of East Asian descent in gnomAD. Taken together, this variant is interpreted as likely pathogenic.

Labcorp Genetics (formerly Invitae), Labcorp
Classification: Likely pathogenic for Biotinidase deficiency. Last evaluated: 2024-03-13. Review status: criteria provided, single submitter. Criteria: Invitae Variant Classification Sherloc (09022015). Collection method: clinical testing. Allele origin: germline.
Comment: This sequence change replaces asparagine, which is neutral and polar, with threonine, which is neutral and polar, at codon 489 of the BTD protein (p.Asn489Thr). This variant is present in population databases (rs104893692, gnomAD 0.02%). This missense change has been observed in individual(s) with biotinidase deficiency (PMID: 9705240; Invitae). In at least one individual the data is consistent with being in trans (on the opposite chromosome) from a pathogenic variant. ClinVar contains an entry for this variant (Variation ID: 1903). Advanced modeling of protein sequence and biophysical properties (such as structural, functional, and spatial information, amino acid conservation, physicochemical variation, residue mobility, and thermodynamic stability) performed at Invitae indicates that this missense variant is expected to disrupt BTD protein function with a positive predictive value of 80%. This variant disrupts the p.Asn489 amino acid residue in BTD. Other variant(s) that disrupt this residue have been observed in individuals with BTD-related conditions (PMID: 28498829), which suggests that this may be a clinically significant amino acid residue. In summary, the currently available evidence indicates that the variant is pathogenic, but additional data are needed to prove that conclusively. Therefore, this variant has been classified as Likely Pathogenic.

Women's Health and Genetics/Laboratory Corporation of America, LabCorp
Classification: Uncertain significance. Last evaluated: 2023-04-28. Review status: criteria provided, single submitter. Criteria: LabCorp Variant Classification Summary - May 2015. Collection method: clinical testing. Allele origin: germline.
Comment: Variant summary: BTD c.1406A>C (p.Asn469Thr) results in a non-conservative amino acid change in the encoded protein sequence. Three of five in-silico tools predict a damaging effect of the variant on protein function. The variant allele was found at a frequency of 1.6e-05 in 251444 control chromosomes. c.1406A>C has been reported in the literature as a homozygous genotype in at-least one individual affected with Biotinidase Deficiency (example, Pomponio_1998). These data indicate that the variant may be associated with disease. To our knowledge, no experimental evidence demonstrating an impact on protein function has been reported. The following publications have been ascertained in the context of this evaluation (PMID: 28498829, 20556795, 9705240). Four clinical diagnostic laboratories have submitted clinical-significance assessments for this variant to ClinVar after 2014 without evidence for independent evaluation (VUS, n=3; LP, n=1). Based on the evidence outlined above, the variant was classified as VUS-possibly pathogenic.

GeneDx
Classification: Uncertain significance. Last evaluated: 2022-01-26. Review status: criteria provided, single submitter. Criteria: GeneDx Variant Classification Process June 2021. Collection method: clinical testing. Allele origin: germline. Affected: yes.
Comment: In silico analysis supports that this missense variant does not alter protein structure/function; This variant is associated with the following publications: (PMID: 9705240, 20556795)

Counsyl
Classification: Uncertain significance for Biotinidase deficiency. Last evaluated: 2018-01-05. Review status: no assertion criteria provided. Collection method: clinical testing. Allele origin: unknown. Not counted in ClinVar's aggregate classification.

OMIM
Classification: Pathogenic for BIOTINIDASE DEFICIENCY. Last evaluated: 1998-06-01. Review status: no assertion criteria provided. Collection method: literature only. Allele origin: germline. Not counted in ClinVar's aggregate classification.

Literature cited by the submitters: PubMed 9705240 (cited by 4 submitters); PubMed 28498829 (cited by Labcorp Genetics (formerly Invitae), Labcorp and Women's Health and Genetics/Laboratory Corporation of America, LabCorp); PubMed 20556795 (cited by Women's Health and Genetics/Laboratory Corporation of America, LabCorp).

NM_001370658.1(BTD):c.1406A>C (p.Asn469Thr)

Gene: BTD (biotinidase; plus strand). Cytogenetic location: 3p25.1.
Variant type: single nucleotide variant.
Coding change: c.1406A>C on transcript NM_001370658.1 (MANE Select); coding-DNA position 1406, A replaced by C.
Protein change: p.Asn469Thr; replaces asparagine 469 with threonine.
Molecular consequence: missense variant. On other transcripts: intron variant (8).
Genome position (GRCh38, 1-based): chr3:15,645,322, A>C. VCF-style: chr3-15645322-A-C. GRCh37 (hg19) VCF-style: chr3-15686829-A-C.
Other names: N489T; c.1406A>C, p.Asn469Thr (NM_001281723.4, NM_001281724.3, NM_001281725.3 and 16 more transcripts); c.1015+391A>C (NM_001370752.1, NM_001407379.1); c.399+3265A>C (NM_001370753.1, NM_001407400.1, NM_001407380.1 and 3 more transcripts); c.1466A>C (NM_000060.4); short protein forms N469T.
Identifiers: ClinVar variation 1903 (VCV000001903.18), dbSNP rs104893692, ClinGen allele CA278014.